The following is an entry in ClinVar:

ClinVar aggregate classification (germline): Uncertain significance (1 of 4 stars; one submission).

Submission:

GeneDx
Classification: Uncertain significance. Last evaluated: 2023-05-06. Review status: criteria provided, single submitter. Criteria: GeneDx Variant Classification Process June 2021. Collection method: clinical testing. Allele origin: germline. Affected: yes.
Comment: Not observed at significant frequency in large population cohorts (gnomAD); In silico analysis supports that this missense variant has a deleterious effect on protein structure/function; Has not been previously published as pathogenic or benign to our knowledge

NM_001288705.3(CSF1R):c.2379G>C (p.Lys793Asn)

Gene: CSF1R (colony stimulating factor 1 receptor; minus strand). Cytogenetic location: 5q32.
Variant type: single nucleotide variant.
Coding change: c.2379G>C on transcript NM_001288705.3 (MANE Select); coding-DNA position 2379, G replaced by C.
Protein change: p.Lys793Asn; replaces lysine 793 with asparagine.
Molecular consequence: missense variant. On other transcripts: non-coding transcript variant (2).
Genome position (GRCh38, 1-based): chr5:150,056,282, C>G on the plus strand (G>C on the coding strand, the complement: CSF1R is on the minus strand). VCF-style: chr5-150056282-C-G. GRCh37 (hg19) VCF-style: chr5-149435845-C-G.
Other names: c.2379G>C, p.Lys793Asn (NM_001349736.2, NM_001375320.1, NM_005211.4); c.1935G>C, p.Lys645Asn (NM_001375321.1); short protein forms K645N, K793N.
Identifiers: ClinVar variation 2663119 (VCV002663119.1), dbSNP rs2113779459, ClinGen allele CA361758914.